The following is an entry in ClinVar:

ClinVar aggregate classification (germline): Pathogenic. Review status: reviewed by expert panel (3 of 4 stars). 5 submissions from 5 submitters: Pathogenic (1). 4 of the submissions do not count toward it. Last evaluated 2018-08-31.

Conditions:
CFTR-related disorder (CFTR-RD). Also called: CFTR-related disorders; CFTR-related condition. Identifiers: MedGen C5924204, MONDO:7770004.
Cystic fibrosis (CF). Also called: MUCOVISCIDOSIS. Identifiers: Orphanet 586, MedGen C0010674, MONDO:0009061, OMIM 219700. Disease mechanism: loss of function.
Bronchiectasis with or without elevated sweat chloride 1 (BESC1). Also called: Cystic Fibrosis-Like Syndrome. Identifiers: Orphanet 60033, MedGen C2749757, MONDO:0008887, OMIM 211400.

Allele frequency attached by ClinVar (database versions not stated): gnomAD exomes 0.00001 and below 0.00001; ExAC 0.00001.
gnomAD v4.1: 3 of 1,613,186 alleles (0.00019%); highest among the groups gnomAD compares: Non-Finnish European, 0.00025%; no homozygotes.

Submissions (5):

CFTR2
Classification: Pathogenic for Cystic fibrosis. Last evaluated: 2018-08-31. Review status: reviewed by expert panel. Criteria: Sosnay PR et al. (Nat Genet 2013). Collection method: research. Allele origin: germline. Affected: yes.

Natera, Inc.
Classification: Pathogenic for CFTR-related disorders. Last evaluated: 2025-12-01. Review status: criteria provided, single submitter. Criteria: Natera Variant Classification Schema (03/2026). Collection method: clinical testing. Allele origin: germline. Not counted in ClinVar's aggregate classification.
Comment: The c.3475T>C variant in CFTR is a missense variant predicted to cause substitution of serine to proline at amino acid 1159. This variant is rare in the general population with a frequency below the threshold expected for the associated phenotype(s). This variant has been observed in one or more individuals affected with the associated recessive disease, as either homozygous or compound heterozygous with a second variant (PMID: 26399542, 26574590, 29504914, 29563174). Functional studies show that this variant may disrupt protein function (PMID: 38388235). A different variant at the same position has been determined to be Pathogenic or Likely Pathogenic. Computational prediction algorithms indicate this variant is likely to affect gene or protein function. Given the available evidence, this variant is classified as Pathogenic.

Women's Health and Genetics/Laboratory Corporation of America, LabCorp
Classification: Pathogenic for Cystic fibrosis. Last evaluated: 2024-05-23. Review status: criteria provided, single submitter. Criteria: LabCorp Variant Classification Summary - May 2015. Collection method: clinical testing. Allele origin: germline. Not counted in ClinVar's aggregate classification.
Comment: Variant summary: CFTR c.3475T>C (p.Ser1159Pro) results in a non-conservative amino acid change in the encoded protein sequence. Five of five in-silico tools predict a damaging effect of the variant on protein function. The variant allele was found at a frequency of 4e-06 in 250707 control chromosomes (gnomAD). c.3475T>C has been reported in the literature in multiple individuals affected with Cystic Fibrosis (e.g. Macek_1993, Simakova_2016, Salinas_2016, McCague_2019). These data indicate that the variant is very likely to be associated with disease. ClinVar contains an entry for this variant (Variation ID: 53756). Based on the evidence outlined above, the variant was classified as pathogenic.

Baylor Genetics
Classification: Likely pathogenic for Bronchiectasis with or without elevated sweat chloride 1. Last evaluated: 2023-05-04. Review status: criteria provided, single submitter. Criteria: ACMG Guidelines, 2015. Collection method: clinical testing. Allele origin: unknown. Not counted in ClinVar's aggregate classification.

Ambry Genetics
Classification: Pathogenic for Cystic fibrosis. Last evaluated: 2021-03-11. Review status: criteria provided, single submitter. Criteria: Ambry Variant Classification Scheme 2023. Collection method: clinical testing. Allele origin: germline. Not counted in ClinVar's aggregate classification.
Comment: The p.S1159P pathogenic mutation (also known as c.3475T>C), located in coding exon 22 of the CFTR gene, results from a T to C substitution at nucleotide position 3475. The serine at codon 1159 is replaced by proline, an amino acid with similar properties. This alteration has been reported in multiple individuals with cystic fibrosis and a second disease-causing allele (Sosnay PR et al. Nat Genet, 2013 Oct;45:1160-7; Ivanov M et al. BMC Med Genomics, 2018 02;11:13). Based on data from gnomAD, the C allele has an overall frequency of <0.01% (1/250536) total alleles studied. This amino acid position is highly conserved in available vertebrate species. In addition, this alteration is predicted to be deleterious by in silico analysis. Based on the supporting evidence, this alteration is interpreted as a disease-causing mutation.

Literature cited by the submitters: PubMed 26399542 (cited by Natera, Inc. and Women's Health and Genetics/Laboratory Corporation of America, LabCorp); PubMed 26574590 (cited by Natera, Inc. and Women's Health and Genetics/Laboratory Corporation of America, LabCorp); PubMed 29504914 (cited by Natera, Inc. and Ambry Genetics); PubMed 29563174 (cited by Natera, Inc.); PubMed 38388235 (cited by Natera, Inc.); PubMed 12124743 (cited by Women's Health and Genetics/Laboratory Corporation of America, LabCorp); PubMed 25735457 (cited by Women's Health and Genetics/Laboratory Corporation of America, LabCorp); PubMed 27214204 (cited by Women's Health and Genetics/Laboratory Corporation of America, LabCorp); PubMed 25880441 (cited by Women's Health and Genetics/Laboratory Corporation of America, LabCorp); PubMed 30888834 (cited by Women's Health and Genetics/Laboratory Corporation of America, LabCorp); PubMed 23974870 (cited by Ambry Genetics).

NM_000492.4(CFTR):c.3475T>C (p.Ser1159Pro)

Genes: CFTR (CF transmembrane conductance regulator; plus strand), CFTR-AS2 (CFTR antisense RNA 2; minus strand). Cytogenetic location: 7q31.2.
Variant type: single nucleotide variant.
Coding change: c.3475T>C on transcript NM_000492.4 (MANE Select); coding-DNA position 3475, T replaced by C.
Protein change: p.Ser1159Pro; replaces serine 1159 with proline.
Molecular consequence: missense variant.
Genome position (GRCh38, 1-based): chr7:117,627,528, T>C. VCF-style: chr7-117627528-T-C. GRCh37 (hg19) VCF-style: chr7-117267582-T-C.
Other names: short protein forms S1159P.
Identifiers: ClinVar variation 53756 (VCV000053756.8), dbSNP rs397508572, ClinGen allele CA327208.